The following is an entry in ClinVar:

NM_003742.4(ABCB11):c.896_897delinsTT (p.Arg299Ile)

Gene: ABCB11 (ATP binding cassette subfamily B member 11; minus strand). Cytogenetic location: 2q31.1.
Variant type: Indel.
Coding change: c.896_897delinsTT on transcript NM_003742.4 (MANE Select); coding-DNA positions 896 to 897, GA replaced by TT.
Protein change: p.Arg299Ile; replaces arginine 299 with isoleucine.
Molecular consequence: missense variant.
Genome position (GRCh38, 1-based): chr2:168,990,812-168,990,813, TC replaced by AA on the plus strand (GA replaced by TT on the coding strand, the reverse complement: ABCB11 is on the minus strand). VCF-style: chr2-168990812-TC-AA. GRCh37 (hg19) VCF-style: chr2-169847322-TC-AA.
Other names: short protein forms R299I.
Identifiers: ClinVar variation 1310347 (VCV001310347.8), dbSNP rs2106004734, ClinGen allele CA2573051709.

ClinVar aggregate classification (germline): Uncertain significance. Review status: criteria provided, multiple submitters, no conflicts (2 of 4 stars). 5 submissions from 5 submitters: Uncertain significance (5). Last evaluated 2026-07-06.

Conditions:
ABCB11-related disorder. Also called: ABCB11-related condition.
Familial intrahepatic cholestasis. Identifiers: Orphanet 284385, MedGen CN296401, MONDO:0017290.
Progressive familial intrahepatic cholestasis type 2. Identifiers: Orphanet 79304, MedGen C3489789, MONDO:0011156, OMIM 601847.

Submissions (5):

PreventionGenetics, part of Exact Sciences
Classification: Uncertain significance for ABCB11-related condition. Last evaluated: 2026-07-06. Review status: criteria provided, single submitter. Criteria: ACMG Guidelines, 2015. Collection method: clinical testing. Allele origin: germline.
Comment: The ABCB11 c.896_897delinsTT variant is predicted to result in an in-frame deletion and insertion. To our knowledge, this variant has not been reported in the literature or in a large population database (gnomAD), indicating this variant is rare. At this time, the clinical significance of this variant is uncertain due to the absence of conclusive functional and genetic evidence.

Genomenon, Inc
Classification: Uncertain significance for Familial intrahepatic cholestasis. Last evaluated: 2026-04-14. Review status: criteria provided, single submitter. Criteria: Genomenon Sequence Variant Interpretation Standards - Updated. Collection method: curation. Allele origin: germline. Affected: yes.
Comment: ABCB11 p.Arg299Ile (c.896_897delinsTT) is a deletion-insertion variant that changes the amino acid at residue 299 from Arginine to Isoleucine. This variant has been observed in at least one proband with an ABCB11-related disorder (PMID:35626323). It is absent or not present at a significant frequency in gnomAD. In conclusion, we classify ABCB11 p.Arg299Ile (c.896_897delinsTT) as a variant of uncertain significance.

CeGaT Center for Human Genetics Tuebingen
Classification: Uncertain significance. Last evaluated: 2026-04-01. Review status: criteria provided, single submitter. Criteria: CeGaT Center For Human Genetics Tuebingen Variant Classification Criteria Version 2. Collection method: clinical testing. Allele origin: germline. Affected: yes. Observed: 1 variant allele.
Comment: ABCB11: PM2

Clinical Genomics Laboratory, Washington University in St. Louis
Classification: Uncertain significance for Progressive familial intrahepatic cholestasis type 2. Last evaluated: 2025-11-25. Review status: criteria provided, single submitter. Criteria: ACMG Guidelines, 2015. Collection method: clinical testing. Allele origin: germline.
Comment: The ABCB11 c.896_897delinsTT (p.Arg299Ile) variant has not been reported in the medical literature to our knowledge. This variant is only observed in 58/1,613,058 total alleles in the general population (gnomAD v.4.1.0), indicating it is not a common variant. Computational predictors are uncertain as to the impact of this variant on ABCB11 function. This variant has been submitted to ClinVar as a variant of uncertain significance by two laboratories. Due to limited information, and based on ACMG/AMP guidelines for variant interpretation (Richards S et al., PMID: 25741868), the clinical significance of this variant is uncertain at this time.

GeneDx
Classification: Uncertain significance. Last evaluated: 2019-11-22. Review status: criteria provided, single submitter. Criteria: GeneDx Variant Classification Process June 2021. Collection method: clinical testing. Allele origin: germline. Affected: yes.
Comment: Not observed in large population cohorts (Lek et al., 2016); In silico analysis, which includes protein predictors and evolutionary conservation, supports a deleterious effect; Has not been previously published as pathogenic or benign to our knowledge

Literature cited by the submitters: PubMed 35626323 (cited by Genomenon, Inc).